The following is an entry in ClinVar:

NM_001081.4(CUBN):c.5251A>G (p.Ser1751Gly)

Gene: CUBN (cubilin; minus strand). Cytogenetic location: 10p13.
Variant type: single nucleotide variant.
Coding change: c.5251A>G on transcript NM_001081.4 (MANE Select); coding-DNA position 5251, A replaced by G.
Protein change: p.Ser1751Gly; replaces serine 1751 with glycine.
Molecular consequence: missense variant.
Genome position (GRCh38, 1-based): chr10:16,947,326, T>C on the plus strand (A>G on the coding strand, the complement: CUBN is on the minus strand). VCF-style: chr10-16947326-T-C. GRCh37 (hg19) VCF-style: chr10-16989325-T-C.
Other names: short protein forms S1751G.
Identifiers: ClinVar variation 4772826 (VCV004772826.1).

ClinVar aggregate classification (germline): Uncertain significance (1 of 4 stars; one submission).

Conditions:
Imerslund-Grasbeck syndrome. Also called: Megaloblastic anemia due to inborn errors of metabolism; Imerslund-Gräsbeck syndrome; ENTEROCYTE COBALAMIN MALABSORPTION; ENTEROCYTE INTRINSIC FACTOR RECEPTOR, DEFECT OF; PERNICIOUS ANEMIA, JUVENILE, DUE TO SELECTIVE INTESTINAL MALABSORPTION OF VITAMIN B12, WITH PROTEINURIA. Identifiers: Orphanet 35858, MedGen C4551825, MONDO:0009853.

gnomAD v4.1: 2 of 1,614,002 alleles (0.00012%); highest among the groups gnomAD compares: African/African-American, 0.0027%; no homozygotes.

Submission:

Labcorp Genetics (formerly Invitae), Labcorp
Classification: Uncertain significance for Imerslund-Grasbeck syndrome. Last evaluated: 2025-10-23. Review status: criteria provided, single submitter. Criteria: Invitae Variant Classification Sherloc (09022015). Collection method: clinical testing. Allele origin: germline.
Comment: This sequence change replaces serine, which is neutral and polar, with glycine, which is neutral and non-polar, at codon 1751 of the CUBN protein (p.Ser1751Gly). This variant is not present in population databases (gnomAD no frequency). This variant has not been reported in the literature in individuals affected with CUBN-related conditions. Invitae Evidence Modeling of protein sequence and biophysical properties (such as structural, functional, and spatial information, amino acid conservation, physicochemical variation, residue mobility, and thermodynamic stability) indicates that this missense variant is expected to disrupt CUBN protein function with a positive predictive value of 80%. In summary, the available evidence is currently insufficient to determine the role of this variant in disease. Therefore, it has been classified as a Variant of Uncertain Significance.